The following is an entry in ClinVar:

NM_138701.4(MPLKIP):c.143C>A (p.Pro48Gln)

Gene: MPLKIP (M-phase specific PLK1 interacting protein; minus strand). Cytogenetic location: 7p14.1.
Variant type: single nucleotide variant.
Coding change: c.143C>A on transcript NM_138701.4 (MANE Select); coding-DNA position 143, C replaced by A.
Protein change: p.Pro48Gln; replaces proline 48 with glutamine.
Molecular consequence: missense variant.
Genome position (GRCh38, 1-based): chr7:40,134,425, G>T on the plus strand (C>A on the coding strand, the complement: MPLKIP is on the minus strand). VCF-style: chr7-40134425-G-T. GRCh37 (hg19) VCF-style: chr7-40174024-G-T.
Other names: short protein forms P48Q.
Identifiers: ClinVar variation 1463476 (VCV001463476.4), dbSNP rs1444716857, ClinGen allele CA367308523.

ClinVar aggregate classification (germline): Uncertain significance (1 of 4 stars; one submission).

Allele frequency attached by ClinVar (database versions not stated): gnomAD 0.00002.

Submission:

Labcorp Genetics (formerly Invitae), Labcorp
Classification: Uncertain significance. Last evaluated: 2024-04-10. Review status: criteria provided, single submitter. Criteria: Invitae Variant Classification Sherloc (09022015). Collection method: clinical testing. Allele origin: germline.
Comment: This sequence change replaces proline, which is neutral and non-polar, with glutamine, which is neutral and polar, at codon 48 of the MPLKIP protein (p.Pro48Gln). This variant is not present in population databases (gnomAD no frequency). This variant has not been reported in the literature in individuals affected with MPLKIP-related conditions. ClinVar contains an entry for this variant (Variation ID: 1463476). Experimental studies and prediction algorithms are not available or were not evaluated, and the functional significance of this variant is currently unknown. In summary, the available evidence is currently insufficient to determine the role of this variant in disease. Therefore, it has been classified as a Variant of Uncertain Significance.